The following is an entry in ClinVar:

NM_000083.3(CLCN1):c.433+185G>A

Gene: CLCN1 (chloride voltage-gated channel 1; plus strand). Cytogenetic location: 7q34.
Variant type: single nucleotide variant.
Coding change: c.433+185G>A on transcript NM_000083.3 (MANE Select); 185 bases into the intron after coding-DNA position 433, G replaced by A.
Molecular consequence: intron variant.
Genome position (GRCh38, 1-based): chr7:143,320,980, G>A. VCF-style: chr7-143320980-G-A. GRCh37 (hg19) VCF-style: chr7-143018073-G-A.
Identifiers: ClinVar variation 678398 (VCV000678398.1), dbSNP rs10282576, ClinGen allele CA168254908.

ClinVar aggregate classification (germline): Likely benign (1 of 4 stars; one submission).

Allele frequency attached by ClinVar (database versions not stated): 1000 Genomes Project 0.00300; 1000 Genomes Project 30x 0.00375; gnomAD 0.00393 and 0.00437; TOPMed 0.00465.
gnomAD v4.1: 593 of 152,198 alleles (0.39%); highest among the groups gnomAD compares: African/African-American, 1.3%; 5 homozygotes.

Submission:

GeneDx
Classification: Likely benign. Last evaluated: 2018-06-16. Review status: criteria provided, single submitter. Criteria: GeneDx Variant Classification (06012015). Collection method: clinical testing. Allele origin: germline. Affected: yes.
Comment: This variant is considered likely benign or benign based on one or more of the following criteria: it is a conservative change, it occurs at a poorly conserved position in the protein, it is predicted to be benign by multiple in silico algorithms, and/or has population frequency not consistent with disease.